The following is an entry in ClinVar:

ClinVar aggregate classification (germline): Likely benign. Review status: criteria provided, multiple submitters, no conflicts (2 of 4 stars). 2 submissions from 2 submitters: Likely benign (2). Last evaluated 2025-01-31.

Conditions:
Cardiovascular phenotype. Identifiers: MedGen CN230736.

gnomAD v4.1: 1 of 1,611,652 alleles (0.000062%); highest among the groups gnomAD compares: South Asian, 0.0011%; no homozygotes.

Submissions (2):

Ambry Genetics
Classification: Likely benign for Cardiovascular phenotype. Last evaluated: 2025-01-31. Review status: criteria provided, single submitter. Criteria: Ambry Variant Classification Scheme 2023. Collection method: clinical testing. Allele origin: germline.

GeneDx
Classification: Likely benign. Last evaluated: 2017-08-16. Review status: criteria provided, single submitter. Criteria: GeneDx Variant Classification (06012015). Collection method: clinical testing. Allele origin: germline. Affected: yes.
Comment: This variant is considered likely benign or benign based on one or more of the following criteria: it is a conservative change, it occurs at a poorly conserved position in the protein, it is predicted to be benign by multiple in silico algorithms, and/or has population frequency not consistent with disease.

NM_000890.5(KCNJ5):c.750C>T (p.Ile250=)

Gene: KCNJ5 (potassium inwardly rectifying channel subfamily J member 5; plus strand). Cytogenetic location: 11q24.3.
Variant type: single nucleotide variant.
Coding change: c.750C>T on transcript NM_000890.5 (MANE Select); coding-DNA position 750, C replaced by T.
Protein change: p.Ile250=; no amino-acid change (isoleucine 250 retained).
Molecular consequence: synonymous variant.
Genome position (GRCh38, 1-based): chr11:128,912,023, C>T. VCF-style: chr11-128912023-C-T. GRCh37 (hg19) VCF-style: chr11-128781918-C-T.
Other names: c.750C>T (LRG_333t1); c.750C>T, p.Ile250= (NM_001354169.2).
Identifiers: ClinVar variation 511356 (VCV000511356.2), dbSNP rs1305792469, ClinGen allele CA477704033.
Genomic context (GRCh38, chr11:128,912,023, plus strand): 5'-GGAGGCCTCCATCCGGGCCAAGCTCATCAAGTCCCGGCAGACCAAAGAGGGGGAGTTCAT[C>T]CCCCTGAACCAGACAGACATCAACGTGGGCTTTGACACGGGCGACGACCGCCTCTTCCTT-3'
Protein context (NP_000881.3, residues 240-260): KSRQTKEGEF[Ile250=]PLNQTDINVG